The following is an entry in ClinVar:

NM_000222.3(KIT):c.2362-3T>C

Gene: KIT (KIT proto-oncogene, receptor tyrosine kinase; plus strand). Cytogenetic location: 4q12.
Variant type: single nucleotide variant.
Coding change: c.2362-3T>C on transcript NM_000222.3 (MANE Select); 3 bases into the intron before coding-DNA position 2362, T replaced by C.
Molecular consequence: intron variant.
Genome position (GRCh38, 1-based): chr4:54,733,067, T>C. VCF-style: chr4-54733067-T-C. GRCh37 (hg19) VCF-style: chr4-55599233-T-C.
Other names: c.2365-3T>C (NM_001385284.1); c.2362-3T>C (NM_001385290.1); c.2353-3T>C (NM_001385288.1); c.2350-3T>C (NM_001385292.1, NM_001093772.2); c.2359-3T>C (NM_001385285.1); c.2347-3T>C (NM_001385286.1).
Identifiers: ClinVar variation 528571 (VCV000528571.13), dbSNP rs767542887, ClinGen allele CA2923766.

ClinVar aggregate classification (germline): Conflicting classifications of pathogenicity. Review status: criteria provided, conflicting classifications (1 of 4 stars). 4 submissions from 4 submitters: Uncertain significance (3); Likely benign (1). Last evaluated 2026-05-29.

Conditions:
Hereditary cancer-predisposing syndrome. Also called: Tumor predisposition; Hereditary neoplastic syndrome; Hereditary Cancer Syndrome; Neoplastic Syndromes, Hereditary. Identifiers: Orphanet 140162, MedGen C0027672, MeSH D009386, MONDO:0015356.
Gastrointestinal stromal tumor. Also called: Gastrointestinal stroma tumor; Gastrointestinal stromal tumor, somatic. Identifiers: Orphanet 44890, MedGen C0238198, MeSH D046152, MONDO:0011719, OMIM 606764, HP:0100723.

Allele frequency attached by ClinVar (database versions not stated): gnomAD exomes below 0.00001 and 0.00001; gnomAD 0.00001; ExAC 0.00002; TOPMed 0.00002.
gnomAD v4.1: 6 of 1,610,742 alleles (0.00037%); highest among the groups gnomAD compares: African/African-American, 0.0053%; no homozygotes.

Submissions (4):

Myriad Genetics, Inc.
Classification: Likely benign for Gastrointestinal stromal tumor. Last evaluated: 2026-05-29. Review status: criteria provided, single submitter. Criteria: Myriad Autosomal Dominant, Autosomal Recessive and X-Linked Classification Criteria (2023). Collection method: clinical testing. Allele origin: unknown.
Comment: This variant is considered likely benign. This variant is intronic and is not expected to impact mRNA splicing.

Labcorp Genetics (formerly Invitae), Labcorp
Classification: Uncertain significance for Gastrointestinal stromal tumor. Last evaluated: 2025-11-30. Review status: criteria provided, single submitter. Criteria: Invitae Variant Classification Sherloc (09022015). Collection method: clinical testing. Allele origin: germline.
Comment: This sequence change falls in intron 16 of the KIT gene. It does not directly change the encoded amino acid sequence of the KIT protein. It affects a nucleotide within the consensus splice site. This variant is present in population databases (rs767542887, gnomAD 0.02%). This variant has not been reported in the literature in individuals affected with KIT-related conditions. ClinVar contains an entry for this variant (Variation ID: 528571). Variants that disrupt the consensus splice site are a relatively common cause of aberrant splicing (PMID: 17576681, 9536098). Algorithms developed to predict the effect of sequence changes on RNA splicing suggest that this variant is not likely to affect RNA splicing. In summary, the available evidence is currently insufficient to determine the role of this variant in disease. Therefore, it has been classified as a Variant of Uncertain Significance.

Ambry Genetics
Classification: Uncertain significance for Hereditary cancer-predisposing syndrome. Last evaluated: 2024-12-10. Review status: criteria provided, single submitter. Criteria: Ambry Variant Classification Scheme 2023. Collection method: clinical testing. Allele origin: germline.
Comment: The c.2362-3T>C intronic variant results from a T to C substitution 3 nucleotides upstream from coding exon 17 in the KIT gene. This nucleotide position is well conserved in available vertebrate species. In silico splice site analysis predicts that this alteration will not have any significant effect on splicing. Based on the available evidence, the clinical significance of this variant remains unclear.

Breakthrough Genomics
Classification: Uncertain significance. Review status: criteria provided, single submitter. Criteria: ACMG Guidelines, 2015. Collection method: not provided. Allele origin: germline. Inheritance: Autosomal dominant inheritance. Affected: yes.

Literature cited by the submitters: PubMed 17576681 (cited by Labcorp Genetics (formerly Invitae), Labcorp); PubMed 9536098 (cited by Labcorp Genetics (formerly Invitae), Labcorp).